The following is an entry in ClinVar:

ClinVar aggregate classification (germline): Pathogenic (0 of 4 stars; one submission).

Conditions:
Lamb-Shaffer syndrome. Identifiers: Orphanet 313884, Orphanet 313892, Orphanet 530983, MedGen C4225202, MONDO:0014778, OMIM 616803.

Submission:

Groupe Hospitalier Pitie Salpetriere, Uf Genomique Du Developpement, Assistance Publique Hopitaux de Paris Sorbonne Université
Classification: Pathogenic for Lamb-Shaffer syndrome. Last evaluated: 2025-05-22. Review status: no assertion criteria provided. Collection method: clinical testing. Allele origin: de novo. Inheritance: Autosomal dominant inheritance. Affected: yes. Observed: 1 heterozygote.
Comment: Genome analysis identified the variant NM_006940.6:c.1342+1_1342+4delinsATAT in the SOX5 gene at the heterozygous state. This variant is absent from population databases (GnomAD v4) and, to our knowledge, has not been reported in ClinVar or in the literature. This variant is located in a canonical splice site and is predicted to abolish a splice donor site. Family analysis showed that this variant occurred de novo. PVS1, PS2, PM2_Supp

NM_006940.6(SOX5):c.1342+1_1342+4delinsATAT

Gene: SOX5 (SRY-box transcription factor 5; minus strand). Cytogenetic location: 12p12.1.
Variant type: Indel.
Coding change: c.1342+1_1342+4delinsATAT on transcript NM_006940.6 (MANE Select); the canonical splice donor site of the intron after coding-DNA position 1342 through 4 bases into the intron after coding-DNA position 1342, GTAA replaced by ATAT.
Molecular consequence: splice donor variant. On other transcripts: intron variant (1).
Genome position (GRCh38, 1-based): chr12:23,575,657-23,575,660, TTAC replaced by ATAT on the plus strand (GTAA replaced by ATAT on the coding strand, the reverse complement: SOX5 is on the minus strand). VCF-style: chr12-23575657-TTAC-ATAT. GRCh37 (hg19) VCF-style: chr12-23728591-TTAC-ATAT.
Other names: c.1303+1_1303+4delinsATAT (NM_152989.5); c.1125+28727_1125+28730delinsATAT (NM_001261414.3); c.1312+1_1312+4delinsATAT (NM_001261415.3); c.1237+1_1237+4delinsATAT (NM_001330785.2); c.184+1_184+4delinsATAT (NM_178010.4).
Identifiers: ClinVar variation 3900637 (VCV003900637.1).